The following is an entry in ClinVar:

NM_005445.4(SMC3):c.3408G>A (p.Pro1136=)

Gene: SMC3 (structural maintenance of chromosomes 3; plus strand). Cytogenetic location: 10q25.2.
Variant type: single nucleotide variant.
Coding change: c.3408G>A on transcript NM_005445.4 (MANE Select); coding-DNA position 3408, G replaced by A.
Protein change: p.Pro1136=; no amino-acid change (proline 1136 retained).
Molecular consequence: synonymous variant.
Genome position (GRCh38, 1-based): chr10:110,602,935, G>A. VCF-style: chr10-110602935-G-A. GRCh37 (hg19) VCF-style: chr10-112362693-G-A.
Identifiers: ClinVar variation 2640830 (VCV002640830.27), dbSNP rs374061811, ClinGen allele CA5688413.

ClinVar aggregate classification (germline): Likely benign. Review status: criteria provided, multiple submitters, no conflicts (2 of 4 stars). 2 submissions from 2 submitters: Likely benign (2). Last evaluated 2025-09-18.

Conditions:
Cornelia de Lange syndrome 3 (CDLS3). Also called: SMC3-Related Cornelia de Lange Syndrome; CORNELIA DE LANGE SYNDROME 3 WITH OR WITHOUT MIDLINE BRAIN DEFECTS. Identifiers: Orphanet 199, MedGen C1853099, MONDO:0012555, OMIM 610759.

Allele frequency attached by ClinVar (database versions not stated): TOPMed 0.00002; gnomAD 0.00003; ExAC 0.00006; ESP Exome Variant Server 0.00008.
gnomAD v4.1: 63 of 1,613,964 alleles (0.0039%); highest among the groups gnomAD compares: South Asian, 0.0044%; no homozygotes.

Submissions (2):

Labcorp Genetics (formerly Invitae), Labcorp
Classification: Likely benign for Cornelia de Lange syndrome 3. Last evaluated: 2025-09-18. Review status: criteria provided, single submitter. Criteria: Invitae Variant Classification Sherloc (09022015). Collection method: clinical testing. Allele origin: germline.

CeGaT Center for Human Genetics Tuebingen
Classification: Likely benign. Last evaluated: 2022-06-01. Review status: criteria provided, single submitter. Criteria: CeGaT Center For Human Genetics Tuebingen Variant Classification Criteria Version 2. Collection method: clinical testing. Allele origin: germline. Affected: yes. Observed: 1 variant allele.
Comment: SMC3: BP4, BP7